The following is an entry in ClinVar:

ClinVar aggregate classification (germline): Likely pathogenic (0 of 4 stars; one submission).

Conditions:
SLC26A4-related disorder. Also called: SLC26A4-related condition; SLC26A4-related disorders.

Submission:

Indian Institute of Integrative Medicine, Council of Scientific and Industrial Research
Classification: Likely pathogenic. Last evaluated: 2020-02-15. Review status: no assertion criteria provided. Collection method: research. Allele origin: germline. Inheritance: Autosomal recessive inheritance. Observed: 2 variant alleles.
Comment: Carriers (Heterozygous) were found in this study.

In-silico validation using Mutation taster2, PolyPhen-2 and SIFT predict this variant to be disease causing. The variant is novel and not reported earlier in in ExAC, 1000G and genomAD databases.

Literature cited by the submitters: PMC 8185570.

NM_000441.2(SLC26A4):c.1668T>A (p.Tyr556Ter)

Gene: SLC26A4 (solute carrier family 26 member 4; plus strand). Cytogenetic location: 7q22.3.
Variant type: single nucleotide variant.
Coding change: c.1668T>A on transcript NM_000441.2 (MANE Select); coding-DNA position 1668, T replaced by A.
Protein change: p.Tyr556Ter; replaces tyrosine 556 with a stop codon.
Molecular consequence: nonsense.
Genome position (GRCh38, 1-based): chr7:107,700,136, T>A. VCF-style: chr7-107700136-T-A. GRCh37 (hg19) VCF-style: chr7-107340581-T-A.
Other names: short protein forms Y556*.
Identifiers: ClinVar variation 987925 (VCV000987925.4), dbSNP rs1791846977, ClinGen allele CA368842211.